The following is an entry in ClinVar:

ClinVar aggregate classification (germline): Benign (0 of 4 stars; one submission).

Conditions:
LRP1B-related disorder. Also called: LRP1B-related condition.

Allele frequency attached by ClinVar (database versions not stated): gnomAD exomes 0.03599; TOPMed 0.03655; gnomAD 0.03692; ExAC 0.03713; ESP Exome Variant Server 0.04099; 1000 Genomes Project 30x 0.04372; 1000 Genomes Project 0.04493.
gnomAD v4.1: 58,037 of 1,609,042 alleles (3.6%); highest among the groups gnomAD compares: South Asian, 6.6%; 1,228 homozygotes.

Submission:

PreventionGenetics, part of Exact Sciences
Classification: Benign for LRP1B-related condition. Last evaluated: 2019-10-21. Review status: no assertion criteria provided. Collection method: clinical testing. Allele origin: germline.
Comment: This variant is classified as benign based on ACMG/AMP sequence variant interpretation guidelines (Richards et al. 2015 PMID: 25741868, with internal and published modifications).

NM_018557.3(LRP1B):c.11200C>A (p.Gln3734Lys)

Gene: LRP1B (LDL receptor related protein 1B; minus strand). Cytogenetic location: 2q22.1.
Variant type: single nucleotide variant.
Coding change: c.11200C>A on transcript NM_018557.3 (MANE Select); coding-DNA position 11200, C replaced by A.
Protein change: p.Gln3734Lys; replaces glutamine 3734 with lysine.
Molecular consequence: missense variant.
Genome position (GRCh38, 1-based): chr2:140,358,878, G>T on the plus strand (C>A on the coding strand, the complement: LRP1B is on the minus strand). VCF-style: chr2-140358878-G-T. GRCh37 (hg19) VCF-style: chr2-141116447-G-T.
Other names: short protein forms Q3734K.
Identifiers: ClinVar variation 3057166 (VCV003057166.2), dbSNP rs35546150, ClinGen allele CA1893154.
Genomic context (GRCh38, chr2:140,358,878, plus strand): 5'-TACCACCACAGTGATCTTCATCTGAATTGTCACCGCATTCATCAATCCCATTGCACATTT[G>T]CTCCGACTGTAGGCATATTCTGTTATTTCTGCATCTGTGAGGTCTCGTGGATGGACAAAG-3'
Protein context (NP_061027.2, residues 3724-3744): RNNRICLQSE[Gln3734Lys]MCNGIDECGD